The following is an entry in ClinVar:

NM_000206.3(IL2RG):c.343T>C (p.Cys115Arg)

Gene: IL2RG (interleukin 2 receptor subunit gamma; minus strand). Cytogenetic location: Xq13.1.
Variant type: single nucleotide variant.
Coding change: c.343T>C on transcript NM_000206.3 (MANE Select); coding-DNA position 343, T replaced by C.
Protein change: p.Cys115Arg; replaces cysteine 115 with arginine.
Molecular consequence: missense variant.
Genome position (GRCh38, 1-based): chrX:71,110,615, A>G on the plus strand (T>C on the coding strand, the complement: IL2RG is on the minus strand). VCF-style: chrX-71110615-A-G. GRCh37 (hg19) VCF-style: chrX-70330465-A-G.
Other names: NM_000206.3(IL2RG):c.343T>C; short protein forms C115R.
Identifiers: ClinVar variation 10025 (VCV000010025.3), dbSNP rs111033622, ClinGen allele CA254990.

ClinVar aggregate classification (germline): Pathogenic. Review status: reviewed by expert panel (3 of 4 stars). 2 submissions from 2 submitters: Pathogenic (1). 1 of the submissions does not count toward it. Last evaluated 2026-02-03.

Conditions:
X-linked severe combined immunodeficiency (SCIDX1). Also called: IMMUNODEFICIENCY 4; X-Linked Combined Immunodeficiency Diseases; SCID, X-LINKED; SEVERE COMBINED IMMUNODEFICIENCY, X-LINKED, T CELL-NEGATIVE, B CELL-POSITIVE, NK CELL-NEGATIVE; T-B+ severe combined immunodeficiency due to gamma chain deficiency. Identifiers: Orphanet 276, MedGen C6022468, MONDO:0010315, OMIM 300400. Disease mechanism: loss of function.

Submissions (2):

ClinGen Severe Combined Immunodeficiency Variant Curation Expert Panel, ClinGen
Classification: Pathogenic for X-linked severe combined immunodeficiency. Last evaluated: 2026-02-03. Review status: reviewed by expert panel. Criteria: ClinGen SCID ACMG Specifications IL2RG V2.1.0. Collection method: curation. Allele origin: germline. Inheritance: X-linked inheritance.
Comment: The NM_000206.3:c.343T>C variant in IL2RG is a missense variant predicted to cause substitution of cysteine by arginine at amino acid 115 (p.Cys115Arg). This variant affects the residue Cys115 of IL2RG that is defined as a mutational hotspot [and/or] critical functional domain by the ClinGen SCID VCEP (PM1_Strong). Analysis of sorted lymphocyte populations demonstrated the reversion of the mutation in T cells (considered as evidence similar to SCID phenotype corrected by IL2RG gene therapy per VCEP discussion, 6pt). CD132 was absent in a B cell line derived from the patient (4.5pt). Total 11pt for PP4 (PP4_Strong). This variant is absent from gnomAD v4.0 (PM2_Supporting). In summary, this variant meets the criteria to be classified as a Pathogenic variant for X-linked severe combined immunodeficiency due to IL2RG deficiency based on the ACMG/AMP criteria applied, as specified by the ClinGen SCID VCEP: PM1_strong, PM2_supporting, PP4_Strong (VCEP specifications version 2.1.0).

OMIM
Classification: Pathogenic for SEVERE COMBINED IMMUNODEFICIENCY, X-LINKED. Last evaluated: 1996-11-21. Review status: no assertion criteria provided. Collection method: literature only. Allele origin: germline. Not counted in ClinVar's aggregate classification.

Literature cited by the submitters: PubMed 8900089 (cited by OMIM).